The following is an entry in ClinVar:

NM_001015877.2(PHF6):c.834+24T>C

Gene: PHF6 (PHD finger protein 6; plus strand). Cytogenetic location: Xq26.2.
Variant type: single nucleotide variant.
Coding change: c.834+24T>C on transcript NM_001015877.2 (MANE Select); 24 bases into the intron after coding-DNA position 834, T replaced by C.
Molecular consequence: intron variant. On other transcripts: synonymous variant (1).
Genome position (GRCh38, 1-based): chrX:134,415,144, T>C. VCF-style: chrX-134415144-T-C. GRCh37 (hg19) VCF-style: chrX-133549174-T-C.
Other names: c.861T>C, p.Tyr287= (NM_032335.3); c.834+24T>C (NM_032458.3).
Identifiers: ClinVar variation 3353281 (VCV003353281.1).

ClinVar aggregate classification (germline): Likely benign (0 of 4 stars; one submission).

Conditions:
PHF6-related disorder. Also called: PHF6-related condition.

Submission:

PreventionGenetics, part of Exact Sciences
Classification: Likely benign for PHF6-related condition. Last evaluated: 2022-08-05. Review status: no assertion criteria provided. Collection method: clinical testing. Allele origin: germline.
Comment: This variant is classified as likely benign based on ACMG/AMP sequence variant interpretation guidelines (Richards et al. 2015 PMID: 25741868, with internal and published modifications).